The following is an entry in ClinVar:

NM_002661.5(PLCG2):c.12G>A (p.Thr4=)

Gene: PLCG2 (phospholipase C gamma 2; plus strand). Cytogenetic location: 16q23.3.
Variant type: single nucleotide variant.
Coding change: c.12G>A on transcript NM_002661.5 (MANE Select); coding-DNA position 12, G replaced by A.
Protein change: p.Thr4=; no amino-acid change (threonine 4 retained).
Molecular consequence: synonymous variant.
Genome position (GRCh38, 1-based): chr16:81,786,001, G>A. VCF-style: chr16-81786001-G-A. GRCh37 (hg19) VCF-style: chr16-81819606-G-A.
Other names: p.Thr4=.
Identifiers: ClinVar variation 1625266 (VCV001625266.10), dbSNP rs376949064, ClinGen allele CA8193001.

ClinVar aggregate classification (germline): Likely benign. Review status: criteria provided, multiple submitters, no conflicts (2 of 4 stars). 3 submissions from 3 submitters: Likely benign (3). Last evaluated 2025-10-13.

Conditions:
Familial cold autoinflammatory syndrome 3 (FCAS3). Also called: ANTIBODY DEFICIENCY AND IMMUNE DYSREGULATION, PLCG2-ASSOCIATED; FAMILIAL ATYPICAL COLD URTICARIA. Identifiers: Orphanet 300359, MedGen C3280914, MONDO:0013766, OMIM 614468.

Allele frequency attached by ClinVar (database versions not stated): ExAC 0.00004; ESP Exome Variant Server 0.00008; gnomAD 0.00008; 1000 Genomes Project 30x 0.00016; 1000 Genomes Project 0.00020.
gnomAD v4.1: 75 of 1,613,832 alleles (0.0046%); highest among the groups gnomAD compares: East Asian, 0.056%; 1 homozygote.

Submissions (3):

Labcorp Genetics (formerly Invitae), Labcorp
Classification: Likely benign for Familial cold autoinflammatory syndrome 3. Last evaluated: 2025-10-13. Review status: criteria provided, single submitter. Criteria: Invitae Variant Classification Sherloc (09022015). Collection method: clinical testing. Allele origin: germline.

Mayo Clinic Laboratories, Mayo Clinic
Classification: Likely benign. Last evaluated: 2025-06-30. Review status: criteria provided, single submitter. Criteria: ACMG Guidelines, 2015. Collection method: clinical testing. Allele origin: germline. Observed: 1 variant allele.
Comment: BP4, BP7

Blueprint Genetics
Classification: Likely benign. Last evaluated: 2022-07-13. Review status: criteria provided, single submitter. Criteria: ACMG Guidelines, 2015. Collection method: clinical testing. Allele origin: germline.